The following is an entry in ClinVar:

ClinVar aggregate classification (germline): Conflicting classifications of pathogenicity. Review status: criteria provided, conflicting classifications (1 of 4 stars). 2 submissions from 2 submitters: Uncertain significance (1); Likely benign (1). Last evaluated 2023-03-27.

Conditions:
Inborn genetic diseases. Identifiers: MedGen C0950123, MeSH D030342.

Allele frequency attached by ClinVar (database versions not stated): gnomAD 0.00001; ExAC 0.00002; gnomAD exomes 0.00002 and 0.00005; TOPMed 0.00003.
gnomAD v4.1: 66 of 1,613,988 alleles (0.0041%); highest among the groups gnomAD compares: Non-Finnish European, 0.0051%; no homozygotes.

Submissions (2):

Ambry Genetics
Classification: Likely benign for Inborn genetic diseases. Last evaluated: 2023-03-27. Review status: criteria provided, single submitter. Criteria: Ambry Variant Classification Scheme 2023. Collection method: clinical testing. Allele origin: germline.

Labcorp Genetics (formerly Invitae), Labcorp
Classification: Uncertain significance. Last evaluated: 2021-08-11. Review status: criteria provided, single submitter. Criteria: Invitae Variant Classification Sherloc (09022015). Collection method: clinical testing. Allele origin: germline.
Comment: This sequence change replaces arginine with glutamine at codon 1200 of the LRRK1 protein (p.Arg1200Gln). The arginine residue is weakly conserved and there is a small physicochemical difference between arginine and glutamine. Algorithms developed to predict the effect of missense changes on protein structure and function output the following: SIFT: "Tolerated"; PolyPhen-2: "Benign"; Align-GVGD: "Class C0". The glutamine amino acid residue is found in multiple mammalian species, which suggests that this missense change does not adversely affect protein function. Algorithms developed to predict the effect of sequence changes on RNA splicing suggest that this variant may create or strengthen a splice site. In summary, the available evidence is currently insufficient to determine the role of this variant in disease. Therefore, it has been classified as a Variant of Uncertain Significance. This variant is present in population databases (rs751191439, ExAC 0.01%). This variant has not been reported in the literature in individuals affected with LRRK1-related conditions.

NM_024652.6(LRRK1):c.3599G>A (p.Arg1200Gln)

Genes: LRRK1 (leucine rich repeat kinase 1; plus strand), LRRK1-AS1 (LRRK1 antisense RNA 1; minus strand). Cytogenetic location: 15q26.3.
Variant type: single nucleotide variant.
Coding change: c.3599G>A on transcript NM_024652.6 (MANE Select); coding-DNA position 3599, G replaced by A.
Protein change: p.Arg1200Gln; replaces arginine 1200 with glutamine.
Molecular consequence: missense variant.
Genome position (GRCh38, 1-based): chr15:101,051,870, G>A. VCF-style: chr15-101051870-G-A. GRCh37 (hg19) VCF-style: chr15-101592075-G-A.
Other names: c.3599G>A (NM_024652.3); short protein forms R1200Q.
Identifiers: ClinVar variation 1413410 (VCV001413410.5), dbSNP rs751191439, ClinGen allele CA7761573.